The following is an entry in ClinVar:

ClinVar aggregate classification (germline): Uncertain significance (1 of 4 stars; one submission).

Submission:

Ambry Genetics
Classification: Uncertain significance. Last evaluated: 2025-06-02. Review status: criteria provided, single submitter. Criteria: Ambry Variant Classification Scheme 2023. Collection method: clinical testing. Allele origin: germline.
Comment: The p.P616R variant (also known as c.1847C>G), located in coding exon 1 of the TET2 gene, results from a C to G substitution at nucleotide position 1847. The proline at codon 616 is replaced by arginine, an amino acid with dissimilar properties. This amino acid position is conserved. In addition, this alteration is predicted to be tolerated by in silico analysis. Based on the available evidence, the clinical significance of this variant remains unclear.

NM_001127208.3(TET2):c.1847C>G (p.Pro616Arg)

Genes: TET2 (tet methylcytosine dioxygenase 2; plus strand), TET2-AS1 (TET2 antisense RNA 1; minus strand). Cytogenetic location: 4q24.
Variant type: single nucleotide variant.
Coding change: c.1847C>G on transcript NM_001127208.3 (MANE Select); coding-DNA position 1847, C replaced by G.
Protein change: p.Pro616Arg; replaces proline 616 with arginine.
Molecular consequence: missense variant.
Genome position (GRCh38, 1-based): chr4:105,235,789, C>G. VCF-style: chr4-105235789-C-G. GRCh37 (hg19) VCF-style: chr4-106156946-C-G.
Other names: c.1847C>G, p.Pro616Arg (NM_017628.4); short protein forms P616R.
Identifiers: ClinVar variation 3967690 (VCV003967690.1).